The following is an entry in ClinVar:

NM_000441.2(SLC26A4):c.196_197del (p.Lys66fs)

Gene: SLC26A4 (solute carrier family 26 member 4; plus strand). Cytogenetic location: 7q22.3.
Variant type: Deletion.
Coding change: c.196_197del on transcript NM_000441.2 (MANE Select); coding-DNA positions 196 to 197, 2 bases deleted (AA; older notation c.196_197delAA).
Protein change: p.Lys66fs; shifts the reading frame from lysine 66.
Molecular consequence: frameshift variant.
Genome position (GRCh38, 1-based): chr7:107,663,327-107,663,328, AA deleted; deleting any 2 consecutive bases within chr7:107,663,326-107,663,328 gives the same sequence; the c. name uses the placement nearest the transcript's 3' end. VCF-style (leftmost placement, unchanged base first): chr7-107663325-TAA-T. GRCh37 (hg19) VCF-style: chr7-107303770-TAA-T.
Other names: short protein forms K66fs.
Identifiers: ClinVar variation 2719500 (VCV002719500.3), dbSNP rs2535281371, ClinGen allele CA2697557496.
Genomic context (GRCh38, chr7:107,663,325, plus strand): 5'-TTGAAAACCCAGTTTTCTTGCTTTTTGACAGTTGTTCAAGAAAGAGAGCCTTTGGTGTGC[TAA>T]AGACTCTTGTGCCCATCTTGGAGTGGCTCCCCAAATACCGAGTCAAGGAATGGCTGCTTA-3'

ClinVar aggregate classification (germline): Pathogenic (1 of 4 stars; one submission).

Submission:

Labcorp Genetics (formerly Invitae), Labcorp
Classification: Pathogenic. Last evaluated: 2023-06-20. Review status: criteria provided, single submitter. Criteria: Invitae Variant Classification Sherloc (09022015). Collection method: clinical testing. Allele origin: germline.
Comment: This sequence change creates a premature translational stop signal (p.Lys66Aspfs*20) in the SLC26A4 gene. It is expected to result in an absent or disrupted protein product. Loss-of-function variants in SLC26A4 are known to be pathogenic (PMID: 16283880, 25394566, 26252218, 26445815). This variant is not present in population databases (gnomAD no frequency). This variant has not been reported in the literature in individuals affected with SLC26A4-related conditions. For these reasons, this variant has been classified as Pathogenic.

Literature cited by the submitters: PubMed 16283880; PubMed 25394566; PubMed 26252218; PubMed 26445815.